The following is an entry in ClinVar:

ClinVar aggregate classification (germline): Uncertain significance (1 of 4 stars; one submission).

Submission:

Greenwood Genetic Center Diagnostic Laboratories, Greenwood Genetic Center
Classification: Uncertain significance. Last evaluated: 2023-07-14. Review status: criteria provided, single submitter. Criteria: ACMG Guidelines, 2015. Collection method: clinical testing. Allele origin: germline. Affected: yes.
Comment: PM2

NM_001378418.1(TCF20):c.5070G>A (p.Gln1690=)

Gene: TCF20 (transcription factor 20; minus strand). Cytogenetic location: 22q13.2.
Variant type: single nucleotide variant.
Coding change: c.5070G>A on transcript NM_001378418.1 (MANE Select); coding-DNA position 5070, G replaced by A.
Protein change: p.Gln1690=; no amino-acid change (glutamine 1690 retained).
Molecular consequence: synonymous variant.
Genome position (GRCh38, 1-based): chr22:42,210,236, C>T on the plus strand (G>A on the coding strand, the complement: TCF20 is on the minus strand). VCF-style: chr22-42210236-C-T. GRCh37 (hg19) VCF-style: chr22-42606242-C-T.
Other names: c.5070G>A, p.Gln1690= (NM_005650.4, NM_181492.3).
Identifiers: ClinVar variation 2626985 (VCV002626985.1), dbSNP rs771314970, ClinGen allele CA514801036.